The following is an entry in ClinVar:

NM_001329.4(CTBP2):c.58+11596T>A

Gene: CTBP2 (C-terminal binding protein 2; minus strand). Cytogenetic location: 10q26.13.
Variant type: single nucleotide variant.
Coding change: c.58+11596T>A on transcript NM_001329.4 (MANE Select); 11596 bases into the intron after coding-DNA position 58, T replaced by A.
Molecular consequence: intron variant. On other transcripts: missense variant (1).
Genome position (GRCh38, 1-based): chr10:125,027,401, A>T on the plus strand (T>A on the coding strand, the complement: CTBP2 is on the minus strand). VCF-style: chr10-125027401-A-T. GRCh37 (hg19) VCF-style: chr10-126715970-A-T.
Other names: c.58+11596T>A (NM_001290215.3, NM_001321014.2, NM_001083914.3 and 3 more transcripts); c.359T>A, p.Val120Glu (NM_022802.3); short protein forms V120E.
Identifiers: ClinVar variation 2640954 (VCV002640954.24), dbSNP rs145765785, ClinGen allele CA5736563.
Genomic context (GRCh38, chr10:125,027,401, plus strand): 5'-CCGTAGCTGGGGACCGGCCGGCTGACTCCTGGGTCCCGATAGAGGGGAGGCTCTTTGGGT[A>T]CCCTAGCAGCTCCAGACGGATCACTGTAGTACTCCCGTGGCAGCAGGGGGCTGCGACCAG-3'

ClinVar aggregate classification (germline): Likely benign (1 of 4 stars; one submission).

Allele frequency attached by ClinVar (database versions not stated): ESP Exome Variant Server 0.00115; TOPMed 0.00151; gnomAD 0.00152; gnomAD exomes 0.00163; 1000 Genomes Project 0.00180; 1000 Genomes Project 30x 0.00187; ExAC 0.00271.
gnomAD v4.1: 2,708 of 1,613,722 alleles (0.17%); highest among the groups gnomAD compares: Middle Eastern, 2%; 22 homozygotes.

Submission:

CeGaT Center for Human Genetics Tuebingen
Classification: Likely benign. Last evaluated: 2023-08-01. Review status: criteria provided, single submitter. Criteria: CeGaT Center For Human Genetics Tuebingen Variant Classification Criteria Version 2. Collection method: clinical testing. Allele origin: germline. Affected: yes. Observed: 1 variant allele.
Comment: CTBP2: BS2